The following is an entry in ClinVar:

ClinVar aggregate classification (germline): Uncertain significance (1 of 4 stars; one submission).

Conditions:
Progressive myoclonic epilepsy type 8. Identifiers: Orphanet 424027, MedGen C5190825, MONDO:0014545, OMIM 616230.

Submission:

Labcorp Genetics (formerly Invitae), Labcorp
Classification: Uncertain significance for Progressive myoclonic epilepsy type 8. Last evaluated: 2022-10-13. Review status: criteria provided, single submitter. Criteria: Invitae Variant Classification Sherloc (09022015). Collection method: clinical testing. Allele origin: germline.
Comment: The frequency data for this variant in the population databases is considered unreliable, as metrics indicate insufficient coverage at this position in the gnomAD database. This sequence change replaces glutamine, which is neutral and polar, with proline, which is neutral and non-polar, at codon 24 of the CERS1 protein (p.Gln24Pro). This variant has not been reported in the literature in individuals affected with CERS1-related conditions. ClinVar contains an entry for this variant (Variation ID: 1053870). Algorithms developed to predict the effect of missense changes on protein structure and function are either unavailable or do not agree on the potential impact of this missense change (SIFT: "Not Available"; PolyPhen-2: "Benign"; Align-GVGD: "Not Available"). In summary, the available evidence is currently insufficient to determine the role of this variant in disease. Therefore, it has been classified as a Variant of Uncertain Significance.

NM_021267.5(CERS1):c.71_72delinsCC (p.Gln24Pro)

Genes: CERS1 (ceramide synthase 1; minus strand), GDF1 (growth differentiation factor 1; minus strand). Cytogenetic location: 19p13.11.
Variant type: Indel.
Coding change: c.71_72delinsCC on transcript NM_021267.5 (MANE Select); coding-DNA positions 71 to 72, AG replaced by CC.
Protein change: p.Gln24Pro; replaces glutamine 24 with proline.
Molecular consequence: missense variant. On other transcripts: 5 prime UTR variant (4), intron variant (3).
Genome position (GRCh38, 1-based): chr19:18,896,001-18,896,002, CT replaced by GG on the plus strand (AG replaced by CC on the coding strand, the reverse complement: CERS1 is on the minus strand). VCF-style: chr19-18896001-CT-GG. GRCh37 (hg19) VCF-style: chr19-19006810-CT-GG.
Other names: c.71_72delinsCC, p.Gln24Pro (NM_001387439.1, NM_001387440.1, NM_001387441.1 and 1 more transcripts); c.-458_-457delinsCC (NM_001387444.1); c.-405_-404delinsCC (NM_001387445.1); c.-832_-831delinsCC (NM_001387438.1); c.-1252_-1251delinsCC (NM_001492.6); c.-46+724_-46+725delinsCC (NM_001387443.1); c.-46+559_-46+560delinsCC (NM_001387442.1, NM_001290265.2); short protein forms Q24P.
Identifiers: ClinVar variation 1053870 (VCV001053870.9), dbSNP rs2146084865, ClinGen allele CA2499225425.